The following is an entry in ClinVar:

NM_001202.6(BMP4):c.277G>T (p.Glu93Ter)

Gene: BMP4 (bone morphogenetic protein 4; minus strand). Cytogenetic location: 14q22.2.
Variant type: single nucleotide variant.
Coding change: c.277G>T on transcript NM_001202.6 (MANE Select); coding-DNA position 277, G replaced by T.
Protein change: p.Glu93Ter; replaces glutamic acid 93 with a stop codon.
Molecular consequence: nonsense.
Genome position (GRCh38, 1-based): chr14:53,951,946, C>A on the plus strand (G>T on the coding strand, the complement: BMP4 is on the minus strand). VCF-style: chr14-53951946-C-A. GRCh37 (hg19) VCF-style: chr14-54418664-C-A.
Other names: c.418G>T, p.Glu140Ter (NM_001347912.1); c.88G>T, p.Glu30Ter (NM_001347913.2, NM_001347915.2, NM_001347917.1); c.277G>T, p.Glu93Ter (NM_001347914.2, NM_001347916.1, NM_130850.5 and 1 more transcripts); short protein forms E140*, E30*, E93*.
Identifiers: ClinVar variation 2662638 (VCV002662638.2), dbSNP rs2502592704, ClinGen allele CA389785202.
Genomic context (GRCh38, chr14:53,951,946, plus strand): 5'-GGCTGGCCGGGCGCTCAGGATACTCAAGACCAGTGCTGTGGATCTGCTCTTCCTCCTCCT[C>A]CCCAGACTGAAGCCGGTAAAGATCCCGCATGTAGTCCGGAATGACGGCACTCTTGCTAGG-3'

ClinVar aggregate classification (germline): Pathogenic (1 of 4 stars; one submission).

Submission:

GeneDx
Classification: Pathogenic. Last evaluated: 2026-08-25. Review status: criteria provided, single submitter. Criteria: GeneDx Variant Classification Process June 2021. Collection method: clinical testing. Allele origin: germline.
Comment: Nonsense variant predicted to result in protein truncation or nonsense mediated decay in a gene for which loss of function is a known mechanism of disease; Not observed at significant frequency in large population cohorts (gnomAD); This variant is associated with the following publications: (PMID: 35633847)